The following is an entry in ClinVar:

ClinVar aggregate classification (germline): Uncertain significance (1 of 4 stars; one submission).

Submission:

Labcorp Genetics (formerly Invitae), Labcorp
Classification: Uncertain significance. Last evaluated: 2025-11-16. Review status: criteria provided, single submitter. Criteria: Invitae Variant Classification Sherloc (09022015). Collection method: clinical testing. Allele origin: germline.
Comment: This sequence change falls in intron 4 of the MBD4 gene. It does not directly change the encoded amino acid sequence of the MBD4 protein. This variant is not present in population databases (gnomAD no frequency). This variant has not been reported in the literature in individuals affected with MBD4-related conditions. Algorithms developed to predict the effect of sequence changes on RNA splicing suggest that this variant may disrupt the consensus splice site. In summary, the available evidence is currently insufficient to determine the role of this variant in disease. Therefore, it has been classified as a Variant of Uncertain Significance.

NM_001276270.2(MBD4):c.1259-4T>G

Gene: MBD4 (methyl-CpG binding domain 4, DNA glycosylase; minus strand). Cytogenetic location: 3q21.3.
Variant type: single nucleotide variant.
Coding change: c.1259-4T>G on transcript NM_001276270.2 (MANE Select); 4 bases into the intron before coding-DNA position 1259, T replaced by G.
Molecular consequence: intron variant.
Genome position (GRCh38, 1-based): chr3:129,433,988, A>C on the plus strand (T>G on the coding strand, the complement: MBD4 is on the minus strand). VCF-style: chr3-129433988-A-C. GRCh37 (hg19) VCF-style: chr3-129152831-A-C.
Other names: c.323-4T>G (NM_001276273.2); c.1277-4T>G (NM_001276272.2, NM_003925.3, NM_001276271.2).
Identifiers: ClinVar variation 4768105 (VCV004768105.1).